The following is an entry in ClinVar:

NM_004369.4(COL6A3):c.587A>G (p.His196Arg)

Gene: COL6A3 (collagen type VI alpha 3 chain; minus strand). Cytogenetic location: 2q37.3.
Variant type: single nucleotide variant.
Coding change: c.587A>G on transcript NM_004369.4 (MANE Select); coding-DNA position 587, A replaced by G.
Protein change: p.His196Arg; replaces histidine 196 with arginine.
Molecular consequence: missense variant. On other transcripts: intron variant (4).
Genome position (GRCh38, 1-based): chr2:237,394,709, T>C on the plus strand (A>G on the coding strand, the complement: COL6A3 is on the minus strand). VCF-style: chr2-237394709-T-C. GRCh37 (hg19) VCF-style: chr2-238303352-T-C.
Other names: c.91+2018A>G (NM_057166.5, NM_057167.4, NM_057164.5 and 1 more transcripts); short protein forms H196R.
Identifiers: ClinVar variation 2063234 (VCV002063234.4), dbSNP rs778147812, ClinGen allele CA2189831.

ClinVar aggregate classification (germline): Uncertain significance (1 of 4 stars; one submission).

Conditions:
Bethlem myopathy 1A. Also called: MYOPATHY, BENIGN CONGENITAL, WITH CONTRACTURES; Bethlem Muscular Dystrophy; Bethlem myopathy 1. Identifiers: Orphanet 610, MedGen CN029274, MONDO:0024530, OMIM 158810.

Allele frequency attached by ClinVar (database versions not stated): gnomAD 0.00001; gnomAD exomes 0.00001; TOPMed 0.00001; ExAC 0.00002.
gnomAD v4.1: 10 of 1,614,124 alleles (0.00062%); highest among the groups gnomAD compares: Non-Finnish European, 0.00085%; no homozygotes.

Submission:

Labcorp Genetics (formerly Invitae), Labcorp
Classification: Uncertain significance for Bethlem myopathy 1A. Last evaluated: 2025-05-28. Review status: criteria provided, single submitter. Criteria: Invitae Variant Classification Sherloc (09022015). Collection method: clinical testing. Allele origin: germline.
Comment: This sequence change replaces histidine, which is basic and polar, with arginine, which is basic and polar, at codon 196 of the COL6A3 protein (p.His196Arg). This variant is present in population databases (rs778147812, gnomAD 0.003%). This variant has not been reported in the literature in individuals affected with COL6A3-related conditions. ClinVar contains an entry for this variant (Variation ID: 2063234). Invitae Evidence Modeling of protein sequence and biophysical properties (such as structural, functional, and spatial information, amino acid conservation, physicochemical variation, residue mobility, and thermodynamic stability) indicates that this missense variant is not expected to disrupt COL6A3 protein function with a negative predictive value of 95%. In summary, the available evidence is currently insufficient to determine the role of this variant in disease. Therefore, it has been classified as a Variant of Uncertain Significance.